The following is an entry in ClinVar:

NM_003560.4(PLA2G6):c.1233del (p.Glu412fs)

Gene: PLA2G6 (phospholipase A2 group VI; minus strand). Cytogenetic location: 22q13.1.
Variant type: Deletion.
Coding change: c.1233del on transcript NM_003560.4 (MANE Select); coding-DNA position 1233, one base deleted (C; older notation c.1233delC).
Protein change: p.Glu412fs; shifts the reading frame from glutamic acid 412.
Molecular consequence: frameshift variant. On other transcripts: intron variant (5).
Genome position (GRCh38, 1-based): chr22:38,128,384, G deleted on the plus strand (C on the coding strand, the reverse complement: PLA2G6 is on the minus strand); the first of 2 consecutive G bases (chr22:38,128,384-38,128,385); deleting either gives the same sequence. VCF-style (leftmost placement, unchanged base first): chr22-38128383-CG-C. GRCh37 (hg19) VCF-style: chr22-38524390-CG-C.
Other names: c.1233del, p.Glu412fs (NM_001349864.2); c.699del, p.Glu234fs (NM_001349867.2); c.555del, p.Glu186fs (NM_001349868.2); c.1186+1070del (NM_001349866.2, NM_001199562.3, NM_001349865.2 and 1 more transcripts); c.652+1070del (NM_001349869.2); short protein forms E186fs, E412fs, E234fs.
Identifiers: ClinVar variation 2770248 (VCV002770248.3), dbSNP rs2517988990, ClinGen allele CA2697552745.

ClinVar aggregate classification (germline): Pathogenic (1 of 4 stars; one submission).

Conditions:
Infantile neuroaxonal dystrophy (NBIA2A). Also called: NEURODEGENERATION WITH BRAIN IRON ACCUMULATION 2A; SEITELBERGER DISEASE; Infantile neuroaxonal dystrophy 1. Identifiers: Orphanet 35069, MedGen C0270724, MONDO:0024457, OMIM 256600.

Submission:

Labcorp Genetics (formerly Invitae), Labcorp
Classification: Pathogenic for Infantile neuroaxonal dystrophy. Last evaluated: 2023-10-20. Review status: criteria provided, single submitter. Criteria: Invitae Variant Classification Sherloc (09022015). Collection method: clinical testing. Allele origin: germline.
Comment: This sequence change creates a premature translational stop signal (p.Glu412Asnfs*35) in the PLA2G6 gene. It is expected to result in an absent or disrupted protein product. Loss-of-function variants in PLA2G6 are known to be pathogenic (PMID: 16783378, 18570303, 18799783, 22213678). This variant is not present in population databases (gnomAD no frequency). This variant has not been reported in the literature in individuals affected with PLA2G6-related conditions. For these reasons, this variant has been classified as Pathogenic.

Literature cited by the submitters: PubMed 16783378; PubMed 18570303; PubMed 18799783; PubMed 22213678.